The following is an entry in ClinVar:

ClinVar aggregate classification (germline): Uncertain significance (1 of 4 stars; one submission).

Submission:

GeneDx
Classification: Uncertain significance. Last evaluated: 2023-02-14. Review status: criteria provided, single submitter. Criteria: GeneDx Variant Classification Process June 2021. Collection method: clinical testing. Allele origin: germline. Affected: yes.
Comment: Not observed at significant frequency in large population cohorts (gnomAD); In silico analysis supports that this missense variant does not alter protein structure/function; Has not been previously published as pathogenic or benign to our knowledge

NM_012199.5(AGO1):c.2530G>C (p.Val844Leu)

Gene: AGO1 (argonaute RISC component 1; plus strand). Cytogenetic location: 1p34.3.
Variant type: single nucleotide variant.
Coding change: c.2530G>C on transcript NM_012199.5 (MANE Select); coding-DNA position 2530, G replaced by C.
Protein change: p.Val844Leu; replaces valine 844 with leucine.
Molecular consequence: missense variant.
Genome position (GRCh38, 1-based): chr1:35,919,563, G>C. VCF-style: chr1-35919563-G-C. GRCh37 (hg19) VCF-style: chr1-36385164-G-C.
Other names: c.2530G>C, p.Val844Leu (NM_001317122.2); c.2305G>C, p.Val769Leu (NM_001317123.2); short protein forms V769L, V844L.
Identifiers: ClinVar variation 2575675 (VCV002575675.1), dbSNP rs1314564307, ClinGen allele CA339364888.